The following is an entry in ClinVar:

NM_000051.4(ATM):c.2447C>G (p.Ala816Gly)

Gene: ATM (ATM serine/threonine kinase; plus strand). Cytogenetic location: 11q22.3.
Variant type: single nucleotide variant.
Coding change: c.2447C>G on transcript NM_000051.4 (MANE Select); coding-DNA position 2447, C replaced by G.
Protein change: p.Ala816Gly; replaces alanine 816 with glycine.
Molecular consequence: missense variant.
Genome position (GRCh38, 1-based): chr11:108,259,056, C>G. VCF-style: chr11-108259056-C-G. GRCh37 (hg19) VCF-style: chr11-108129783-C-G.
Other names: c.2447C>G, p.Ala816Gly (NM_001351834.2); short protein forms A816G.
Identifiers: ClinVar variation 1039973 (VCV001039973.10), dbSNP rs1351798568, ClinGen allele CA382541353.

ClinVar aggregate classification (germline): Uncertain significance (1 of 4 stars; one submission).

Conditions:
Ataxia-telangiectasia syndrome (AT). Also called: ATAXIA-TELANGIECTASIA, COMPLEMENTATION GROUP A; ATAXIA-TELANGIECTASIA, FRESNO VARIANT; Ataxia-telangiectasia, complementation group D; AT, COMPLEMENTATION GROUP C; Cerebello-oculocutaneous telangiectasia; Immunodeficiency with ataxia telangiectasia. Identifiers: Orphanet 100, MedGen C0004135, MONDO:0008840, OMIM 208900.

Submission:

Labcorp Genetics (formerly Invitae), Labcorp
Classification: Uncertain significance for Ataxia-telangiectasia syndrome. Last evaluated: 2022-01-12. Review status: criteria provided, single submitter. Criteria: Invitae Variant Classification Sherloc (09022015). Collection method: clinical testing. Allele origin: germline.
Comment: In summary, the available evidence is currently insufficient to determine the role of this variant in disease. Therefore, it has been classified as a Variant of Uncertain Significance. Advanced modeling of protein sequence and biophysical properties (such as structural, functional, and spatial information, amino acid conservation, physicochemical variation, residue mobility, and thermodynamic stability) performed at Invitae indicates that this missense variant is not expected to disrupt ATM protein function. ClinVar contains an entry for this variant (Variation ID: 1039973). This variant has not been reported in the literature in individuals affected with ATM-related conditions. This variant is not present in population databases (gnomAD no frequency). This sequence change replaces alanine, which is neutral and non-polar, with glycine, which is neutral and non-polar, at codon 816 of the ATM protein (p.Ala816Gly).